The following is an entry in ClinVar:

NM_001384732.1(CPLANE1):c.2162C>T (p.Ala721Val)

Gene: CPLANE1 (ciliogenesis and planar polarity effector complex subunit 1; minus strand). Cytogenetic location: 5p13.2.
Variant type: single nucleotide variant.
Coding change: c.2162C>T on transcript NM_001384732.1 (MANE Select); coding-DNA position 2162, C replaced by T.
Protein change: p.Ala721Val; replaces alanine 721 with valine.
Molecular consequence: missense variant.
Genome position (GRCh38, 1-based): chr5:37,226,433, G>A on the plus strand (C>T on the coding strand, the complement: CPLANE1 is on the minus strand). VCF-style: chr5-37226433-G-A. GRCh37 (hg19) VCF-style: chr5-37226535-G-A.
Other names: c.2162C>T, p.Ala721Val (NM_023073.4); short protein forms A721V.
Identifiers: ClinVar variation 2040551 (VCV002040551.1), dbSNP rs1470706207, ClinGen allele CA359495667.

ClinVar aggregate classification (germline): Uncertain significance (1 of 4 stars; one submission).

Allele frequency attached by ClinVar (database versions not stated): gnomAD 0.00002; gnomAD exomes 0.00003; TOPMed 0.00003.
gnomAD v4.1: 48 of 1,551,206 alleles (0.0031%); highest among the groups gnomAD compares: Non-Finnish European, 0.0039%; no homozygotes.

Submission:

Labcorp Genetics (formerly Invitae), Labcorp
Classification: Uncertain significance. Last evaluated: 2022-06-22. Review status: criteria provided, single submitter. Criteria: Invitae Variant Classification Sherloc (09022015). Collection method: clinical testing. Allele origin: germline.
Comment: This sequence change replaces alanine, which is neutral and non-polar, with valine, which is neutral and non-polar, at codon 721 of the CPLANE1 protein (p.Ala721Val). This variant is present in population databases (no rsID available, gnomAD 0.005%). This variant has not been reported in the literature in individuals affected with CPLANE1-related conditions. Advanced modeling of protein sequence and biophysical properties (such as structural, functional, and spatial information, amino acid conservation, physicochemical variation, residue mobility, and thermodynamic stability) performed at Invitae indicates that this missense variant is not expected to disrupt CPLANE1 protein function. In summary, the available evidence is currently insufficient to determine the role of this variant in disease. Therefore, it has been classified as a Variant of Uncertain Significance.